The following is an entry in ClinVar:

ClinVar aggregate classification (germline): Uncertain significance (1 of 4 stars; one submission).

gnomAD v4.1: 1 of 1,610,338 alleles (0.000062%); highest among the groups gnomAD compares: South Asian, 0.0011%; no homozygotes.

Submission:

Labcorp Genetics (formerly Invitae), Labcorp
Classification: Uncertain significance. Last evaluated: 2024-02-23. Review status: criteria provided, single submitter. Criteria: Invitae Variant Classification Sherloc (09022015). Collection method: clinical testing. Allele origin: germline.
Comment: This sequence change replaces leucine, which is neutral and non-polar, with phenylalanine, which is neutral and non-polar, at codon 308 of the SLC12A6 protein (p.Leu308Phe). This variant is not present in population databases (gnomAD no frequency). This variant has not been reported in the literature in individuals affected with SLC12A6-related conditions. Advanced modeling of protein sequence and biophysical properties (such as structural, functional, and spatial information, amino acid conservation, physicochemical variation, residue mobility, and thermodynamic stability) performed at Invitae indicates that this missense variant is not expected to disrupt SLC12A6 protein function with a negative predictive value of 80%. In summary, the available evidence is currently insufficient to determine the role of this variant in disease. Therefore, it has been classified as a Variant of Uncertain Significance.

NM_001365088.1(SLC12A6):c.922C>T (p.Leu308Phe)

Gene: SLC12A6 (solute carrier family 12 member 6; minus strand). Cytogenetic location: 15q14.
Variant type: single nucleotide variant.
Coding change: c.922C>T on transcript NM_001365088.1 (MANE Select); coding-DNA position 922, C replaced by T.
Protein change: p.Leu308Phe; replaces leucine 308 with phenylalanine.
Molecular consequence: missense variant.
Genome position (GRCh38, 1-based): chr15:34,254,544, G>A on the plus strand (C>T on the coding strand, the complement: SLC12A6 is on the minus strand). VCF-style: chr15-34254544-G-A. GRCh37 (hg19) VCF-style: chr15-34546745-G-A.
Other names: c.745C>T, p.Leu249Phe (NM_001042494.2, NM_001042495.2); c.895C>T, p.Leu299Phe (NM_001042496.2); c.877C>T, p.Leu293Phe (NM_001042497.2); c.769C>T, p.Leu257Phe (NM_005135.2); c.922C>T, p.Leu308Phe (NM_133647.2); short protein forms L249F, L257F, L293F, L299F, L308F.
Identifiers: ClinVar variation 3620329 (VCV003620329.2).